The following is an entry in ClinVar:

NM_003722.5(TP63):c.1168A>G (p.Ile390Val)

Gene: TP63 (tumor protein p63; plus strand). Cytogenetic location: 3q28.
Variant type: single nucleotide variant.
Coding change: c.1168A>G on transcript NM_003722.5 (MANE Select); coding-DNA position 1168, A replaced by G.
Protein change: p.Ile390Val; replaces isoleucine 390 with valine.
Molecular consequence: missense variant.
Genome position (GRCh38, 1-based): chr3:189,869,362, A>G. VCF-style: chr3-189869362-A-G. GRCh37 (hg19) VCF-style: chr3-189587151-A-G.
Other names: c.886A>G, p.Ile296Val (NM_001114981.2, NM_001114982.2, NM_001329145.2 and 1 more transcripts); c.1168A>G, p.Ile390Val (NM_001329144.2, NM_001114978.2, NM_001114979.2); c.631A>G, p.Ile211Val (NM_001329146.2); c.1156A>G, p.Ile386Val (NM_001329148.2); c.874A>G, p.Ile292Val (NM_001329149.2); c.619A>G, p.Ile207Val (NM_001329150.2); c.1162A>G, p.Ile388Val (NM_001329964.2); short protein forms I211V, I386V, I207V, I292V, I296V, I388V, I390V.
Identifiers: ClinVar variation 2998703 (VCV002998703.2), dbSNP rs2108809424, ClinGen allele CA355755511.

ClinVar aggregate classification (germline): Uncertain significance (1 of 4 stars; one submission).

Conditions:
TP63-Related Spectrum Disorders.

Allele frequency attached by ClinVar (database versions not stated): gnomAD exomes below 0.00001.
gnomAD v4.1: 1 of 1,614,098 alleles (0.000062%); highest among the groups gnomAD compares: Non-Finnish European, 0.000085%; no homozygotes.

Submission:

Labcorp Genetics (formerly Invitae), Labcorp
Classification: Uncertain significance. Last evaluated: 2024-01-08. Review status: criteria provided, single submitter. Criteria: Invitae Variant Classification Sherloc (09022015). Collection method: clinical testing. Allele origin: germline.
Comment: This sequence change replaces isoleucine, which is neutral and non-polar, with valine, which is neutral and non-polar, at codon 390 of the TP63 protein (p.Ile390Val). This variant is not present in population databases (gnomAD no frequency). This variant has not been reported in the literature in individuals affected with TP63-related conditions. Advanced modeling of protein sequence and biophysical properties (such as structural, functional, and spatial information, amino acid conservation, physicochemical variation, residue mobility, and thermodynamic stability) has been performed at Invitae for this missense variant, however the output from this modeling did not meet the statistical confidence thresholds required to predict the impact of this variant on TP63 protein function. In summary, the available evidence is currently insufficient to determine the role of this variant in disease. Therefore, it has been classified as a Variant of Uncertain Significance.